The following is an entry in ClinVar:

ClinVar aggregate classification (germline): Pathogenic (1 of 4 stars; one submission).

Conditions:
Retinitis pigmentosa 38 (RP38). Also called: ROD-CONE DYSTROPHY, CHILDHOOD-ONSET. Identifiers: Orphanet 791, MedGen C3151228, MONDO:0013469, OMIM 613862.

gnomAD v4.1: 6 of 1,614,058 alleles (0.00037%); highest among the groups gnomAD compares: Non-Finnish European, 0.00051%; no homozygotes.

Submission:

3billion
Classification: Pathogenic for Retinitis pigmentosa 38. Last evaluated: 2025-11-28. Review status: criteria provided, single submitter. Criteria: ACMG Guidelines, 2015. Collection method: clinical testing. Allele origin: germline. Affected: yes.
Comment: The variant is observed at an extremely low frequency in the gnomAD v4.1.0 dataset (total allele frequency: <0.001%). Predicted Consequence/Location: Stop-gained (nonsense): predicted to result in a loss or disruption of normal protein function through nonsense-mediated decay (NMD) or protein truncation. Multiple pathogenic variants are reported downstream of the variant. The variant has been reported to be in trans with a pathogenic variant as either compound heterozygous or homozygous in at least one similarly affected unrelated individual (PMID: 24154662). The variant has been reported to be associated with MERTK-related disorder (PMID: 24154662). Therefore, this variant is classified as Pathogenic according to the recommendation of ACMG/AMP guideline.

Literature cited by the submitters: PubMed 24154662.

NM_006343.3(MERTK):c.390G>A (p.Trp130Ter)

Gene: MERTK (MER proto-oncogene, tyrosine kinase; plus strand). Cytogenetic location: 2q13.
Variant type: single nucleotide variant.
Coding change: c.390G>A on transcript NM_006343.3 (MANE Select); coding-DNA position 390, G replaced by A.
Protein change: p.Trp130Ter; replaces tryptophan 130 with a stop codon.
Molecular consequence: nonsense.
Genome position (GRCh38, 1-based): chr2:111,929,448, G>A. VCF-style: chr2-111929448-G-A. GRCh37 (hg19) VCF-style: chr2-112687025-G-A.
Other names: short protein forms W130*.
Identifiers: ClinVar variation 4856159 (VCV004856159.1).